The following is an entry in ClinVar:

NM_002474.3(MYH11):c.4792-6G>C

Genes: MYH11 (myosin heavy chain 11; minus strand), NDE1 (nudE neurodevelopment protein 1; plus strand). Cytogenetic location: 16p13.11.
Variant type: single nucleotide variant.
Coding change: c.4792-6G>C on transcript NM_002474.3 (MANE Select); 6 bases into the intron before coding-DNA position 4792, G replaced by C.
Molecular consequence: intron variant.
Genome position (GRCh38, 1-based): chr16:15,720,318, C>G on the plus strand (G>C on the coding strand, the complement: MYH11 is on the minus strand). VCF-style: chr16-15720318-C-G. GRCh37 (hg19) VCF-style: chr16-15814175-C-G.
Other names: c.948-3873C>G (NM_001143979.2, NM_017668.3); c.4792-6G>C (NM_022844.3); c.4813-6G>C (NM_001040114.2, NM_001040113.2).
Identifiers: ClinVar variation 378208 (VCV000378208.10), dbSNP rs766965358, ClinGen allele CA7921539.

ClinVar aggregate classification (germline): Conflicting classifications of pathogenicity. Review status: criteria provided, conflicting classifications (1 of 4 stars). 4 submissions from 4 submitters: Uncertain significance (2); Likely benign (2). Last evaluated 2025-09-14.

Conditions:
Familial thoracic aortic aneurysm and aortic dissection (TAAD). Also called: Thoracic aortic aneurysms and dissections. Identifiers: Orphanet 91387, MedGen C4707243, MONDO:0019625.
Aortic aneurysm, familial thoracic 4 (AAT4). Also called: AORTIC ANEURYSM/AORTIC DISSECTION AND PATENT DUCTUS ARTERIOSUS. Identifiers: MedGen C1851504, MONDO:0007568, OMIM 132900.

Allele frequency attached by ClinVar (database versions not stated): TOPMed 0.00001.
gnomAD v4.1: 8 of 1,612,986 alleles (0.0005%); highest among the groups gnomAD compares: East Asian, 0.018%; no homozygotes.

Submissions (4):

Labcorp Genetics (formerly Invitae), Labcorp
Classification: Likely benign for Aortic aneurysm, familial thoracic 4. Last evaluated: 2025-09-14. Review status: criteria provided, single submitter. Criteria: Invitae Variant Classification Sherloc (09022015). Collection method: clinical testing. Allele origin: germline.

All of Us Research Program, National Institutes of Health
Classification: Uncertain significance for Familial thoracic aortic aneurysm and aortic dissection. Last evaluated: 2023-12-13. Review status: criteria provided, single submitter. Criteria: ACMG Guidelines, 2015. Collection method: clinical testing. Allele origin: germline. Inheritance: Autosomal dominant inheritance. Observed: 1 variant allele, 1 heterozygote.
Comment: This variant causes a G to C nucleotide substitution at the -6 position of intron 34 of the MYH11 gene. Splice prediction tools and conservation analysis are inconclusive regarding the impact of this variant on RNA splicing. To our knowledge, functional studies have not been reported for this variant. This variant has not been reported in individuals affected with cardiovascular disorders in the literature. This variant has been identified in 3/280070 chromosomes in the general population by the Genome Aggregation Database (gnomAD). The available evidence is insufficient to determine the role of this variant in disease conclusively. Therefore, this variant is classified as a Variant of Uncertain Significance.

This study involves interpretation of variants in research participants for the purpose of population health screening. Participant phenotype was not available at the time of variant classification. Additional details can be found in publication PMID: 35346344, PMCID: PMC8962531

Color Diagnostics, LLC DBA Color Health
Classification: Uncertain significance for Familial thoracic aortic aneurysm and aortic dissection. Last evaluated: 2022-12-14. Review status: criteria provided, single submitter. Criteria: ACMG Guidelines, 2015. Collection method: clinical testing. Allele origin: germline.
Comment: This variant causes a G to C nucleotide substitution at the -6 position of intron 34 of the MYH11 gene. Splice prediction tools and conservation analysis are inconclusive regarding the impact of this variant on RNA splicing. To our knowledge, functional studies have not been reported for this variant. This variant has not been reported in individuals affected with cardiovascular disorders in the literature. This variant has been identified in 3/280070 chromosomes in the general population by the Genome Aggregation Database (gnomAD). The available evidence is insufficient to determine the role of this variant in disease conclusively. Therefore, this variant is classified as a Variant of Uncertain Significance.

GeneDx
Classification: Likely benign. Last evaluated: 2019-05-30. Review status: criteria provided, single submitter. Criteria: GeneDx Variant Classification Process June 2021. Collection method: clinical testing. Allele origin: germline. Affected: yes.